The following is an entry in ClinVar:

ClinVar aggregate classification (germline): Uncertain significance. Review status: criteria provided, multiple submitters, no conflicts (2 of 4 stars). 3 submissions from 3 submitters: Uncertain significance (2). 1 of the submissions does not count toward it. Last evaluated 2025-09-16.

Conditions:
KMT2A-related disorder. Also called: KMT2A-related condition.
Inborn genetic diseases. Identifiers: MedGen C0950123, MeSH D030342.

Allele frequency attached by ClinVar (database versions not stated): gnomAD 0.00001; gnomAD exomes 0.00001; TOPMed 0.00002.
gnomAD v4.1: 7 of 1,614,058 alleles (0.00043%); highest among the groups gnomAD compares: Non-Finnish European, 0.00051%; no homozygotes.

Submissions (3):

Labcorp Genetics (formerly Invitae), Labcorp
Classification: Uncertain significance. Last evaluated: 2025-09-16. Review status: criteria provided, single submitter. Criteria: Invitae Variant Classification Sherloc (09022015). Collection method: clinical testing. Allele origin: germline.
Comment: This sequence change replaces glutamine, which is neutral and polar, with histidine, which is basic and polar, at codon 3390 of the KMT2A protein (p.Gln3390His). This variant is not present in population databases (gnomAD no frequency). This variant has not been reported in the literature in individuals affected with KMT2A-related conditions. ClinVar contains an entry for this variant (Variation ID: 1976216). Invitae Evidence Modeling of protein sequence and biophysical properties (such as structural, functional, and spatial information, amino acid conservation, physicochemical variation, residue mobility, and thermodynamic stability) indicates that this missense variant is not expected to disrupt KMT2A protein function with a negative predictive value of 95%. In summary, the available evidence is currently insufficient to determine the role of this variant in disease. Therefore, it has been classified as a Variant of Uncertain Significance.

Ambry Genetics
Classification: Uncertain significance for Inborn genetic diseases. Last evaluated: 2025-02-28. Review status: criteria provided, single submitter. Criteria: Ambry Variant Classification Scheme 2023. Collection method: clinical testing. Allele origin: germline.

PreventionGenetics, part of Exact Sciences
Classification: Uncertain significance for KMT2A-related condition. Last evaluated: 2024-08-22. Review status: no assertion criteria provided. Collection method: clinical testing. Allele origin: germline. Not counted in ClinVar's aggregate classification.
Comment: The KMT2A c.10170G>T variant is predicted to result in the amino acid substitution p.Gln3390His. To our knowledge, this variant has not been reported in the literature or in a large population database, indicating this variant is rare. At this time, the clinical significance of this variant is uncertain due to the absence of conclusive functional and genetic evidence.

NM_001197104.2(KMT2A):c.10170G>T (p.Gln3390His)

Gene: KMT2A (lysine methyltransferase 2A; plus strand). Cytogenetic location: 11q23.3.
Variant type: single nucleotide variant.
Coding change: c.10170G>T on transcript NM_001197104.2 (MANE Select); coding-DNA position 10170, G replaced by T.
Protein change: p.Gln3390His; replaces glutamine 3390 with histidine.
Molecular consequence: missense variant.
Genome position (GRCh38, 1-based): chr11:118,506,062, G>T. VCF-style: chr11-118506062-G-T. GRCh37 (hg19) VCF-style: chr11-118376777-G-T.
Other names: c.10260G>T, p.Gln3420His (NM_001412597.1); c.10161G>T, p.Gln3387His (NM_005933.4); short protein forms Q3420H, Q3390H, Q3387H.
Identifiers: ClinVar variation 1976216 (VCV001976216.7), dbSNP rs1462963975, ClinGen allele CA382822803.